The following is an entry in ClinVar:

ClinVar aggregate classification (germline): Uncertain significance. Review status: criteria provided, multiple submitters, no conflicts (2 of 4 stars). 2 submissions from 2 submitters: Uncertain significance (2). Last evaluated 2025-05-17.

Conditions:
Inborn genetic diseases. Identifiers: MedGen C0950123, MeSH D030342.

gnomAD v4.1: 6 of 1,551,738 alleles (0.00039%); highest among the groups gnomAD compares: Middle Eastern, 0.05%; no homozygotes.

Submissions (2):

Ambry Genetics
Classification: Uncertain significance for Inborn genetic diseases. Last evaluated: 2025-05-17. Review status: criteria provided, single submitter. Criteria: Ambry Variant Classification Scheme 2023. Collection method: clinical testing. Allele origin: germline.

Labcorp Genetics (formerly Invitae), Labcorp
Classification: Uncertain significance. Last evaluated: 2022-08-16. Review status: criteria provided, single submitter. Criteria: Invitae Variant Classification Sherloc (09022015). Collection method: clinical testing. Allele origin: germline.
Comment: This sequence change replaces histidine, which is basic and polar, with arginine, which is basic and polar, at codon 1487 of the UNC80 protein (p.His1487Arg). The frequency data for this variant in the population databases is considered unreliable, as metrics indicate poor data quality at this position in the gnomAD database. This variant has not been reported in the literature in individuals affected with UNC80-related conditions. ClinVar contains an entry for this variant (Variation ID: 1506786). Algorithms developed to predict the effect of missense changes on protein structure and function are either unavailable or do not agree on the potential impact of this missense change (SIFT: "Not Available"; PolyPhen-2: "Benign"; Align-GVGD: "Not Available"). In summary, the available evidence is currently insufficient to determine the role of this variant in disease. Therefore, it has been classified as a Variant of Uncertain Significance.

NM_001371986.1(UNC80):c.4658A>G (p.His1553Arg)

Gene: UNC80 (unc-80 subunit of NALCN channel complex; plus strand). Cytogenetic location: 2q34.
Variant type: single nucleotide variant.
Coding change: c.4658A>G on transcript NM_001371986.1 (MANE Select); coding-DNA position 4658, A replaced by G.
Protein change: p.His1553Arg; replaces histidine 1553 with arginine.
Molecular consequence: missense variant.
Genome position (GRCh38, 1-based): chr2:209,904,841, A>G. VCF-style: chr2-209904841-A-G. GRCh37 (hg19) VCF-style: chr2-210769565-A-G.
Other names: c.4460A>G, p.His1487Arg (NM_032504.2); c.4445A>G, p.His1482Arg (NM_182587.4); c.4460A>G (NM_032504.1); short protein forms H1482R, H1487R, H1553R.
Identifiers: ClinVar variation 1506786 (VCV001506786.6), dbSNP rs775914722, ClinGen allele CA350755179.